The following is an entry in ClinVar:

ClinVar aggregate classification (germline): Likely pathogenic (1 of 4 stars; one submission).

Conditions:
Dilated cardiomyopathy 1G (CMD1G). Identifiers: Orphanet 154, MedGen C1858763, MONDO:0011400, OMIM 604145.
Autosomal recessive limb-girdle muscular dystrophy type 2J (LGMDR10). Also called: Limb-girdle muscular dystrophy, type 2J; MUSCULAR DYSTROPHY, LIMB-GIRDLE, AUTOSOMAL RECESSIVE 10. Identifiers: Orphanet 140922, MedGen C1837342, MONDO:0012127, OMIM 608807.

Submission:

Labcorp Genetics (formerly Invitae), Labcorp
Classification: Likely pathogenic for Dilated cardiomyopathy 1G; Autosomal recessive limb-girdle muscular dystrophy type 2J. Last evaluated: 2024-11-04. Review status: criteria provided, single submitter. Criteria: Invitae Variant Classification Sherloc (09022015). Collection method: clinical testing. Allele origin: germline.
Comment: This sequence change creates a premature translational stop signal (p.Glu15244*) in the TTN gene. While this is not anticipated to result in nonsense mediated decay, it is expected to create a truncated TTN protein. This variant is not present in population databases (gnomAD no frequency). This variant has not been reported in the literature in individuals affected with TTN-related conditions. ClinVar contains an entry for this variant (Variation ID: 1039000). This variant is located in the I band of TTN (PMID: 25589632). Truncating variants in this region have been reported in individuals affected with autosomal recessive centronuclear myopathy (PMID: 23975875, internal data). Truncating variants in this region have also been identified in individuals affected with autosomal dominant dilated cardiomyopathy and/or cardio-related conditions (PMID: 27869827, 32964742, internal data). In summary, the currently available evidence indicates that the variant is pathogenic, but additional data are needed to prove that conclusively. Therefore, this variant has been classified as Likely Pathogenic.

Literature cited by the submitters: PubMed 25589632; PubMed 23975875; PubMed 27869827; PubMed 32964742.

NM_001267550.2(TTN):c.45730G>T (p.Glu15244Ter)

Gene: TTN (titin; minus strand). Cytogenetic location: 2q31.2.
Variant type: single nucleotide variant.
Coding change: c.45730G>T on transcript NM_001267550.2 (MANE Select); coding-DNA position 45730, G replaced by T.
Protein change: p.Glu15244Ter; replaces glutamic acid 15244 with a stop codon.
Molecular consequence: nonsense.
Genome position (GRCh38, 1-based): chr2:178,620,880, C>A on the plus strand (G>T on the coding strand, the complement: TTN is on the minus strand). VCF-style: chr2-178620880-C-A. GRCh37 (hg19) VCF-style: chr2-179485607-C-A.
Other names: c.40807G>T, p.Glu13603Ter (NM_001256850.1); c.18535G>T, p.Glu6179Ter (NM_003319.4); c.38026G>T, p.Glu12676Ter (NM_133378.4); c.18910G>T, p.Glu6304Ter (NM_133432.3); c.19111G>T, p.Glu6371Ter (NM_133437.4); short protein forms E12676*, E13603*, E6304*, E15244*, E6179*, E6371*.
Identifiers: ClinVar variation 1039000 (VCV001039000.9), dbSNP rs2058161147, ClinGen allele CA349632206.
Genomic context (GRCh38, chr2:178,620,880, plus strand): 5'-GGGTGTAGACTAGGTCTTTTTGGAGAATGATGTATTTTGAACTATCAAATATAGCTTCTT[C>A]ATTTCTGAACCATTTGGCTTTGGCACCTTCAGTATTGACTTCACAGTTGAAGACAACTTC-3'